The following is an entry in ClinVar:

ClinVar aggregate classification (germline): Uncertain significance (1 of 4 stars; one submission).

Conditions:
Cardiovascular phenotype. Identifiers: MedGen CN230736.

gnomAD v4.1: 5 of 1,614,098 alleles (0.00031%); highest among the groups gnomAD compares: Non-Finnish European, 0.00042%; no homozygotes.

Submission:

Ambry Genetics
Classification: Uncertain significance for Cardiovascular phenotype. Last evaluated: 2019-09-09. Review status: criteria provided, single submitter. Criteria: Ambry Variant Classification Scheme 2023. Collection method: clinical testing. Allele origin: germline.
Comment: The p.R220L variant (also known as c.659G>T), located in coding exon 4 of the TTN gene, results from a G to T substitution at nucleotide position 659. The arginine at codon 220 is replaced by leucine, an amino acid with dissimilar properties. This amino acid position is well conserved in available vertebrate species. In addition, the in silico prediction for this alteration is inconclusive. Since supporting evidence is limited at this time, the clinical significance of this alteration remains unclear.

NM_001267550.2(TTN):c.659G>T (p.Arg220Leu)

Gene: TTN (titin; minus strand). Cytogenetic location: 2q31.2.
Variant type: single nucleotide variant.
Coding change: c.659G>T on transcript NM_001267550.2 (MANE Select); coding-DNA position 659, G replaced by T.
Protein change: p.Arg220Leu; replaces arginine 220 with leucine.
Molecular consequence: missense variant.
Genome position (GRCh38, 1-based): chr2:178,799,835, C>A on the plus strand (G>T on the coding strand, the complement: TTN is on the minus strand). VCF-style: chr2-178799835-C-A. GRCh37 (hg19) VCF-style: chr2-179664562-C-A.
Other names: c.659G>T, p.Arg220Leu (NM_001256850.1, NM_003319.4, NM_133378.4 and 3 more transcripts); short protein forms R220L.
Identifiers: ClinVar variation 1754396 (VCV001754396.2), dbSNP rs794729621, ClinGen allele CA349524726.